The following is an entry in ClinVar:

Conditions:
Breast-ovarian cancer, familial, susceptibility to, 1 (BROVCA1). Also called: BRCA1 Hereditary Breast and Ovarian Cancer; OVARIAN CANCER, SUSCEPTIBILITY TO. Identifiers: Orphanet 145, MedGen C2676676, MONDO:0011450, OMIM 604370. Disease mechanism: loss of function.

Submission:

Brotman Baty Institute, University of Washington
No classification provided (evidence only). Condition: Breast-ovarian cancer, familial 1. Review status: no classification provided. Collection method: in vitro. Allele origin: not applicable. Functional consequence: functionally_abnormal.
ClinVar note: "not provided" was previously submitted as the classification for the variant. However, the classification appeared to be based only on an observation of functional data so it was converted to no classification on 2025-07-30.

NM_007294.4(BRCA1):c.301+4A>C

Gene: BRCA1 (BRCA1 DNA repair associated; minus strand). Cytogenetic location: 17q21.31.
Variant type: single nucleotide variant.
Coding change: c.301+4A>C on transcript NM_007294.4 (MANE Select); 4 bases into the intron after coding-DNA position 301, A replaced by C.
Molecular consequence: intron variant.
Genome position (GRCh38, 1-based): chr17:43,104,864, T>G on the plus strand (A>C on the coding strand, the complement: BRCA1 is on the minus strand). VCF-style: chr17-43104864-T-G. GRCh37 (hg19) VCF-style: chr17-41256881-T-G.
Other names: c.160+4A>C (NM_001407944.1, NM_001407734.1, NM_001407730.1 and 99 more transcripts); c.301+4A>C (NM_001407973.1, NM_001407596.1, NM_001408495.1 and 164 more transcripts); c.-218-10004A>C (NM_001407966.1, NM_001407967.1); c.-81+4A>C (NM_001407963.1, NM_001407960.1, NM_001407965.1 and 4 more transcripts); c.91+4A>C (NM_001407899.1, NM_001408507.1, NM_001407958.1 and 58 more transcripts); c.223+4A>C (NM_001408413.1, NM_001407660.1, NM_001407661.1 and 21 more transcripts); c.292+13A>C (NM_001407646.1, NM_001408408.1, NM_001407647.1); c.169+4A>C (NM_001408451.1).
Identifiers: ClinVar variation 865382 (VCV000865382.3), dbSNP rs2054669183, ClinGen allele CA916080814.